The following is an entry in ClinVar:

ClinVar aggregate classification (germline): Uncertain significance (1 of 4 stars; one submission).

Conditions:
EGFR-related lung cancer (EGFR). Identifiers: MedGen CN130014.

Submission:

Labcorp Genetics (formerly Invitae), Labcorp
Classification: Uncertain significance for EGFR-related lung cancer. Last evaluated: 2021-06-28. Review status: criteria provided, single submitter. Criteria: Invitae Variant Classification Sherloc (09022015). Collection method: clinical testing. Allele origin: germline.
Comment: In summary, the available evidence is currently insufficient to determine the role of this variant in disease. Therefore, it has been classified as a Variant of Uncertain Significance. Nucleotide substitutions within the consensus splice site are a relatively common cause of aberrant splicing (PMID: 17576681, 9536098). Algorithms developed to predict the effect of sequence changes on RNA splicing suggest that this variant may disrupt the consensus splice site, but this prediction has not been confirmed by published transcriptional studies. This variant has not been reported in the literature in individuals with EGFR-related conditions. This variant is not present in population databases (ExAC no frequency). This sequence change falls in intron 15 of the EGFR gene. It does not directly change the encoded amino acid sequence of the EGFR protein. It affects a nucleotide within the consensus splice site of the intron.

Literature cited by the submitters: PubMed 17576681; PubMed 9536098.

NM_005228.5(EGFR):c.1880+4A>T

Gene: EGFR (epidermal growth factor receptor; plus strand). Cytogenetic location: 7p11.2.
Variant type: single nucleotide variant.
Coding change: c.1880+4A>T on transcript NM_005228.5 (MANE Select); 4 bases into the intron after coding-DNA position 1880, A replaced by T.
Molecular consequence: intron variant.
Genome position (GRCh38, 1-based): chr7:55,165,441, A>T. VCF-style: chr7-55165441-A-T. GRCh37 (hg19) VCF-style: chr7-55233134-A-T.
Other names: c.1721+4A>T (NM_001346900.2); c.1079+4A>T (NM_001346941.2); c.1880+4A>T (NM_001346898.2, NM_201284.2, NM_201282.2); c.1745+4A>T (NM_001346897.2, NM_001346899.2).
Identifiers: ClinVar variation 1501957 (VCV001501957.6), dbSNP rs2128946553, ClinGen allele CA2573142287.